The following is an entry in ClinVar:

ClinVar aggregate classification (germline): Uncertain significance. Review status: criteria provided, multiple submitters, no conflicts (2 of 4 stars). 2 submissions from 2 submitters: Uncertain significance (2). Last evaluated 2024-07-18.

Conditions:
Inborn genetic diseases. Identifiers: MedGen C0950123, MeSH D030342.

Submissions (2):

Labcorp Genetics (formerly Invitae), Labcorp
Classification: Uncertain significance. Last evaluated: 2024-07-18. Review status: criteria provided, single submitter. Criteria: Invitae Variant Classification Sherloc (09022015). Collection method: clinical testing. Allele origin: germline.
Comment: This sequence change replaces serine, which is neutral and polar, with tyrosine, which is neutral and polar, at codon 84 of the SETD5 protein (p.Ser84Tyr). This variant is not present in population databases (gnomAD no frequency). This variant has not been reported in the literature in individuals affected with SETD5-related conditions. Advanced modeling of protein sequence and biophysical properties (such as structural, functional, and spatial information, amino acid conservation, physicochemical variation, residue mobility, and thermodynamic stability) performed at Invitae indicates that this missense variant is expected to disrupt SETD5 protein function with a positive predictive value of 80%. In summary, the available evidence is currently insufficient to determine the role of this variant in disease. Therefore, it has been classified as a Variant of Uncertain Significance.

Ambry Genetics
Classification: Uncertain significance for Inborn genetic diseases. Last evaluated: 2023-12-12. Review status: criteria provided, single submitter. Criteria: Ambry Variant Classification Scheme 2023. Collection method: clinical testing. Allele origin: germline.
Comment: The c.251C>A (p.S84Y) alteration is located in exon 5 (coding exon 3) of the SETD5 gene. This alteration results from a C to A substitution at nucleotide position 251, causing the serine (S) at amino acid position 84 to be replaced by a tyrosine (Y). This variant was not reported in population-based cohorts in the Genome Aggregation Database (gnomAD). This amino acid position is highly conserved in available vertebrate species. This alteration is predicted to be deleterious by in silico analysis. Based on insufficient or conflicting evidence, the clinical significance of this alteration remains unclear.

NM_001080517.3(SETD5):c.251C>A (p.Ser84Tyr)

Gene: SETD5 (SET domain containing 5; plus strand). Cytogenetic location: 3p25.3.
Variant type: single nucleotide variant.
Coding change: c.251C>A on transcript NM_001080517.3 (MANE Select); coding-DNA position 251, C replaced by A.
Protein change: p.Ser84Tyr; replaces serine 84 with tyrosine.
Molecular consequence: missense variant. On other transcripts: 5 prime UTR variant (2).
Genome position (GRCh38, 1-based): chr3:9,434,407, C>A. VCF-style: chr3-9434407-C-A. GRCh37 (hg19) VCF-style: chr3-9476091-C-A.
Other names: c.-83C>A (NM_001292043.2); c.-124C>A (NM_001349451.2); short protein forms S84Y.
Identifiers: ClinVar variation 3160678 (VCV003160678.3), dbSNP rs2040326997, ClinGen allele CA351682745.